The following is an entry in ClinVar:

NM_006231.4(POLE):c.5753A>T (p.Asp1918Val)

Gene: POLE (DNA polymerase epsilon, catalytic subunit; minus strand). Cytogenetic location: 12q24.33.
Variant type: single nucleotide variant.
Coding change: c.5753A>T on transcript NM_006231.4 (MANE Select); coding-DNA position 5753, A replaced by T.
Protein change: p.Asp1918Val; replaces aspartic acid 1918 with valine.
Molecular consequence: missense variant.
Genome position (GRCh38, 1-based): chr12:132,635,950, T>A on the plus strand (A>T on the coding strand, the complement: POLE is on the minus strand). VCF-style: chr12-132635950-T-A. GRCh37 (hg19) VCF-style: chr12-133212536-T-A.
Other names: short protein forms D1918V.
Identifiers: ClinVar variation 1749445 (VCV001749445.2), dbSNP rs2541863483, ClinGen allele CA387372985.

ClinVar aggregate classification (germline): Uncertain significance (1 of 4 stars; one submission).

Conditions:
Hereditary cancer-predisposing syndrome. Also called: Hereditary Cancer Syndrome; Hereditary neoplastic syndrome; Neoplastic Syndromes, Hereditary; Tumor predisposition. Identifiers: Orphanet 140162, MedGen C0027672, MeSH D009386, MONDO:0015356.

Submission:

Ambry Genetics
Classification: Uncertain significance for Hereditary cancer-predisposing syndrome. Last evaluated: 2022-02-03. Review status: criteria provided, single submitter. Criteria: Ambry Variant Classification Scheme 2023. Collection method: clinical testing. Allele origin: germline.
Comment: The p.D1918V variant (also known as c.5753A>T), located in coding exon 42 of the POLE gene, results from an A to T substitution at nucleotide position 5753. The aspartic acid at codon 1918 is replaced by valine, an amino acid with highly dissimilar properties. This amino acid position is conserved. In addition, this alteration is predicted to be deleterious by in silico analysis. Since supporting evidence is limited at this time, the clinical significance of this alteration remains unclear.